The following is an entry in ClinVar:

ClinVar aggregate classification (germline): Uncertain significance. Review status: criteria provided, multiple submitters, no conflicts (2 of 4 stars). 2 submissions from 2 submitters: Uncertain significance (2). Last evaluated 2023-05-21.

Conditions:
Hereditary cancer-predisposing syndrome. Also called: Hereditary Cancer Syndrome; Hereditary neoplastic syndrome; Neoplastic Syndromes, Hereditary; Tumor predisposition. Identifiers: Orphanet 140162, MedGen C0027672, MeSH D009386, MONDO:0015356.
Pheochromocytoma/paraganglioma syndrome 5. Also called: Paragangliomas 5; SDHA-Related Hereditary Paraganglioma-Pheochromocytoma Syndrome. Identifiers: Orphanet 29072, MedGen C3279992, MONDO:0013602, OMIM 614165.
Mitochondrial complex II deficiency, nuclear type 1. Also called: SUCCINATE CoQ REDUCTASE DEFICIENCY. Identifiers: Orphanet 3208, MedGen C5700310, MONDO:0100294, OMIM 252011.

Submissions (2):

Ambry Genetics
Classification: Uncertain significance for Hereditary cancer-predisposing syndrome. Last evaluated: 2023-05-21. Review status: criteria provided, single submitter. Criteria: Ambry Variant Classification Scheme 2023. Collection method: clinical testing. Allele origin: germline.
Comment: The p.E230K variant (also known as c.688G>A), located in coding exon 6 of the SDHA gene, results from a G to A substitution at nucleotide position 688. The glutamic acid at codon 230 is replaced by lysine, an amino acid with similar properties. This amino acid position is conserved. In addition, the in silico prediction for this alteration is inconclusive. Since supporting evidence is limited at this time, the clinical significance of this alteration remains unclear.

Labcorp Genetics (formerly Invitae), Labcorp
Classification: Uncertain significance for Pheochromocytoma/paraganglioma syndrome 5; Mitochondrial complex II deficiency, nuclear type 1. Last evaluated: 2022-05-06. Review status: criteria provided, single submitter. Criteria: Invitae Variant Classification Sherloc (09022015). Collection method: clinical testing. Allele origin: germline.
Comment: Advanced modeling of protein sequence and biophysical properties (such as structural, functional, and spatial information, amino acid conservation, physicochemical variation, residue mobility, and thermodynamic stability) performed at Invitae indicates that this missense variant is not expected to disrupt SDHA protein function. This variant has not been reported in the literature in individuals affected with SDHA-related conditions. This variant is not present in population databases (gnomAD no frequency). This sequence change replaces glutamic acid, which is acidic and polar, with lysine, which is basic and polar, at codon 230 of the SDHA protein (p.Glu230Lys). In summary, the available evidence is currently insufficient to determine the role of this variant in disease. Therefore, it has been classified as a Variant of Uncertain Significance.

NM_004168.4(SDHA):c.688G>A (p.Glu230Lys)

Gene: SDHA (succinate dehydrogenase complex flavoprotein subunit A; plus strand). Cytogenetic location: 5p15.33.
Variant type: single nucleotide variant.
Coding change: c.688G>A on transcript NM_004168.4 (MANE Select); coding-DNA position 688, G replaced by A.
Protein change: p.Glu230Lys; replaces glutamic acid 230 with lysine.
Molecular consequence: missense variant.
Genome position (GRCh38, 1-based): chr5:228,251, G>A. VCF-style: chr5-228251-G-A. GRCh37 (hg19) VCF-style: chr5-228366-G-A.
Other names: c.688G>A (NM_004168.2); c.544G>A, p.Glu182Lys (NM_001294332.2); c.688G>A, p.Glu230Lys (NM_001330758.2); short protein forms E230K, E182K.
Identifiers: ClinVar variation 2061515 (VCV002061515.6), dbSNP rs1436777353, ClinGen allele CA359010939.
Genomic context (GRCh38, chr5:228,251, plus strand): 5'-CGATATGATACCAGCTATTTTGTGGAGTATTTTGCCTTGGATCTCCTGATGGAGAATGGG[G>A]AGTGCCGTGGTGTCATCGCACTGTGCATAGAGGACGGGTCCATCCATCGCATAAGAGCAA-3'
Protein context (NP_004159.2, residues 220-240): FALDLLMENG[Glu230Lys]CRGVIALCIE